The following is an entry in ClinVar:

NM_032383.5(HPS3):c.1873-1G>A

Gene: HPS3 (HPS3 biogenesis of lysosomal organelles complex 2 subunit 1; plus strand). Cytogenetic location: 3q24.
Variant type: single nucleotide variant.
Coding change: c.1873-1G>A on transcript NM_032383.5 (MANE Select); the canonical splice acceptor site of the intron before coding-DNA position 1873, G replaced by A.
Molecular consequence: splice acceptor variant.
Genome position (GRCh38, 1-based): chr3:149,160,045, G>A. VCF-style: chr3-149160045-G-A. GRCh37 (hg19) VCF-style: chr3-148877832-G-A.
Other names: c.1378-1G>A (NM_001308258.2).
Identifiers: ClinVar variation 2676091 (VCV002676091.4), dbSNP rs2473113411, ClinGen allele CA354922956.

ClinVar aggregate classification (germline): Likely pathogenic. Review status: criteria provided, multiple submitters, no conflicts (2 of 4 stars). 2 submissions from 2 submitters: Likely pathogenic (2). Last evaluated 2023-10-12.

Conditions:
Hermansky-Pudlak syndrome 3 (HPS3). Identifiers: Orphanet 231512, Orphanet 79430, MedGen C3888001, MONDO:0013555, OMIM 614072.

Submissions (2):

Labcorp Genetics (formerly Invitae), Labcorp
Classification: Likely pathogenic. Last evaluated: 2023-10-12. Review status: criteria provided, single submitter. Criteria: Invitae Variant Classification Sherloc (09022015). Collection method: clinical testing. Allele origin: germline.
Comment: This sequence change affects an acceptor splice site in intron 10 of the HPS3 gene. It is expected to disrupt RNA splicing. Variants that disrupt the donor or acceptor splice site typically lead to a loss of protein function (PMID: 16199547), and loss-of-function variants in HPS3 are known to be pathogenic (PMID: 11590544). This variant is not present in population databases (gnomAD no frequency). This variant has not been reported in the literature in individuals affected with HPS3-related conditions. Algorithms developed to predict the effect of sequence changes on RNA splicing suggest that this variant may disrupt the consensus splice site. In summary, the currently available evidence indicates that the variant is pathogenic, but additional data are needed to prove that conclusively. Therefore, this variant has been classified as Likely Pathogenic.

Baylor Genetics
Classification: Likely pathogenic for Hermansky-Pudlak syndrome 3. Last evaluated: 2023-01-11. Review status: criteria provided, single submitter. Criteria: ACMG Guidelines, 2015. Collection method: clinical testing. Allele origin: unknown.

Literature cited by the submitters: PubMed 16199547 (cited by Labcorp Genetics (formerly Invitae), Labcorp); PubMed 11590544 (cited by Labcorp Genetics (formerly Invitae), Labcorp).